The following is an entry in ClinVar:

NM_000051.4(ATM):c.5906A>C (p.Asp1969Ala)

Genes: C11orf65 (chromosome 11 open reading frame 65; minus strand), ATM (ATM serine/threonine kinase; plus strand). Cytogenetic location: 11q22.3.
Variant type: single nucleotide variant.
Coding change: c.5906A>C on transcript NM_000051.4 (MANE Select); coding-DNA position 5906, A replaced by C.
Protein change: p.Asp1969Ala; replaces aspartic acid 1969 with alanine.
Molecular consequence: missense variant. On other transcripts: intron variant (2).
Genome position (GRCh38, 1-based): chr11:108,310,303, A>C. VCF-style: chr11-108310303-A-C. GRCh37 (hg19) VCF-style: chr11-108181030-A-C.
Other names: c.*39-1232T>G (NM_001351110.2); c.641-1232T>G (NM_001330368.2); c.5906A>C, p.Asp1969Ala (NM_001351834.2); short protein forms D1969A.
Identifiers: ClinVar variation 1717221 (VCV001717221.6), dbSNP rs2136019060, ClinGen allele CA382548586.

ClinVar aggregate classification (germline): Uncertain significance (1 of 4 stars; one submission).

Conditions:
Ataxia-telangiectasia syndrome (AT). Also called: Ataxia telangiectasia (A-T); LOUIS-BAR SYNDROME; Cerebello-oculocutaneous telangiectasia; Immunodeficiency with ataxia telangiectasia; Ataxia-telangiectasia, complementation group D; AT, COMPLEMENTATION GROUP C. Identifiers: Orphanet 100, MedGen C0004135, MONDO:0008840, OMIM 208900.

Submission:

Labcorp Genetics (formerly Invitae), Labcorp
Classification: Uncertain significance for Ataxia-telangiectasia syndrome. Last evaluated: 2023-02-20. Review status: criteria provided, single submitter. Criteria: Invitae Variant Classification Sherloc (09022015). Collection method: clinical testing. Allele origin: germline.
Comment: An algorithm developed to predict the effect of missense changes on protein structure and function (PolyPhen-2) suggests that this variant is likely to be tolerated. ClinVar contains an entry for this variant (Variation ID: 1717221). This variant has not been reported in the literature in individuals affected with ATM-related conditions. This variant is not present in population databases (gnomAD no frequency). This sequence change replaces aspartic acid, which is acidic and polar, with alanine, which is neutral and non-polar, at codon 1969 of the ATM protein (p.Asp1969Ala). In summary, the available evidence is currently insufficient to determine the role of this variant in disease. Therefore, it has been classified as a Variant of Uncertain Significance.